The following is an entry in ClinVar:

NM_007294.4(BRCA1):c.4675+2T>C

Gene: BRCA1 (BRCA1 DNA repair associated; minus strand). Cytogenetic location: 17q21.31.
Variant type: single nucleotide variant.
Coding change: c.4675+2T>C on transcript NM_007294.4 (MANE Select); the canonical splice donor site of the intron after coding-DNA position 4675, T replaced by C.
Molecular consequence: splice donor variant. On other transcripts: intron variant (3).
Genome position (GRCh38, 1-based): chr17:43,074,329, A>G on the plus strand (T>C on the coding strand, the complement: BRCA1 is on the minus strand). VCF-style: chr17-43074329-A-G. GRCh37 (hg19) VCF-style: chr17-41226346-A-G.
Other names: c.1360+2T>C (NM_001408397.1, NM_001408398.1, NM_001408400.1 and 8 more transcripts); c.4669+2T>C (NM_001407632.1, NM_001407629.1, NM_001407636.1 and 14 more transcripts); c.4672+2T>C (NM_001407613.1, NM_001407618.1, NM_001407612.1 and 17 more transcripts); c.1240+2T>C (NM_001408436.1, NM_001408434.1, NM_001408440.1 and 10 more transcripts); c.4552+2T>C (NM_001407665.1, NM_001407919.1, NM_001407937.1 and 6 more transcripts); c.1363+2T>C (NM_001407980.1, NM_001407993.1, NM_001407992.1 and 12 more transcripts); c.1366+2T>C (NM_001407976.1, NM_001407977.1, NM_001407978.1 and 3 more transcripts); c.4675+2T>C (NM_001407603.1, NM_001407597.1, NM_001407605.1 and 8 more transcripts); and 71 more.
Identifiers: ClinVar variation 267555 (VCV000267555.24), dbSNP rs879255293, ClinGen allele CA10592159.

ClinVar aggregate classification (germline): Pathogenic. Review status: criteria provided, multiple submitters, no conflicts (2 of 4 stars). 3 submissions from 3 submitters: Pathogenic (3). Last evaluated 2020-01-16.

Conditions:
Hereditary cancer-predisposing syndrome. Also called: Hereditary Cancer Syndrome; Neoplastic Syndromes, Hereditary; Hereditary neoplastic syndrome; Tumor predisposition. Identifiers: Orphanet 140162, MedGen C0027672, MeSH D009386, MONDO:0015356.
Hereditary breast ovarian cancer syndrome. Also called: Hereditary breast and ovarian cancer syndrome (HBOC); Breast and ovarian cancer; Hereditary breast and ovarian cancer syndrome; Hereditary breast and ovarian cancer; BRCA1- and BRCA2-Associated Hereditary Breast and Ovarian Cancer; Hereditary breast and/or ovarian cancer syndrome. Identifiers: Orphanet 145, MedGen C0677776, MeSH D061325, MONDO:0003582. Disease mechanism: loss of function.
Breast-ovarian cancer, familial, susceptibility to, 1 (BROVCA1). Also called: BRCA1 Hereditary Breast and Ovarian Cancer; OVARIAN CANCER, SUSCEPTIBILITY TO. Identifiers: Orphanet 145, MedGen C2676676, MONDO:0011450, OMIM 604370. Disease mechanism: loss of function.

Submissions (3):

Labcorp Genetics (formerly Invitae), Labcorp
Classification: Pathogenic for Hereditary breast ovarian cancer syndrome. Last evaluated: 2020-01-16. Review status: criteria provided, single submitter. Criteria: Invitae Variant Classification Sherloc (09022015). Collection method: clinical testing. Allele origin: germline.
Comment: Disruption of this splice site has been observed in individual(s) with breast and/or ovarian cancer (PMID: 12491499, 21324516, 23767878, 24884479). ClinVar contains an entry for this variant (Variation ID: 267555). For these reasons, this variant has been classified as Pathogenic. Donor and acceptor splice site variants typically lead to a loss of protein function (PMID: 16199547), and loss-of-function variants in BRCA1 are known to be pathogenic (PMID: 20104584). Experimental studies have shown that disruption of this splice site disrupts mRNA splicing (PMID: PMID: 21394826, 18489799 ). This variant is not present in population databases (ExAC no frequency). This sequence change affects a donor splice site in intron 14 of the BRCA1 gene. It is expected to disrupt RNA splicing and likely results in an absent or disrupted protein product.

Ambry Genetics
Classification: Pathogenic for Hereditary cancer-predisposing syndrome. Last evaluated: 2019-09-25. Review status: criteria provided, single submitter. Criteria: Ambry Variant Classification Scheme 2023. Collection method: clinical testing. Allele origin: germline.
Comment: The c.4675+2T>C intronic pathogenic mutation results from a T to C substitution two nucleotides after coding exon 13 in the BRCA1 gene. This alteration was identified in a large, worldwide study of BRCA1/2 mutation positive families (Rebbeck TR et al. Hum. Mutat., 2018 05;39:593-620). A different pathogenic mutation at the same canonical splice site, c.4675+1G>A, has been detected in breast and ovarian cancer families and was observed to result in aberrant splicing (Adem C et al. Cancer 2003;97:1-11, Zhang S et al. Gynecol. Oncol. 2011;121:353-7, Whiley PJ et al. Hum. Mutat. 2011;32:678-8). In addition to the clinical data presented in the literature, alterations that disrupt the canonical splice site are expected to cause aberrant splicing, resulting in an abnormal protein or a transcript that is subject to nonsense-mediated mRNA decay. As such, this alteration is classified as a disease-causing mutation.

Consortium of Investigators of Modifiers of BRCA1/2 (CIMBA), c/o University of Cambridge
Classification: Pathogenic for Breast-ovarian cancer, familial, susceptibility to, 1. Last evaluated: 2015-10-02. Review status: criteria provided, single submitter. Criteria: CIMBA Mutation Classification guidelines May 2016. Collection method: clinical testing. Allele origin: germline.

Literature cited by the submitters: PubMed 12491499 (cited by Labcorp Genetics (formerly Invitae), Labcorp); PubMed 21324516 (cited by Labcorp Genetics (formerly Invitae), Labcorp); PubMed 23767878 (cited by Labcorp Genetics (formerly Invitae), Labcorp); PubMed 24884479 (cited by Labcorp Genetics (formerly Invitae), Labcorp); PubMed 16199547 (cited by Labcorp Genetics (formerly Invitae), Labcorp); PubMed 20104584 (cited by Labcorp Genetics (formerly Invitae), Labcorp); PubMed 21394826 (cited by Labcorp Genetics (formerly Invitae), Labcorp); PubMed 18489799 (cited by Labcorp Genetics (formerly Invitae), Labcorp); PubMed 29446198 (cited by Ambry Genetics).